The following is an entry in ClinVar:

ClinVar aggregate classification (germline): Uncertain significance. Review status: reviewed by expert panel (3 of 4 stars). 5 submissions from 5 submitters: Uncertain significance (1). 4 of the submissions do not count toward it. Last evaluated 2024-08-27.

Conditions:
RYR1-related disorder. Also called: RYR1-related condition; RYR1-related disorders. Identifiers: MedGen CN239331.
RYR1-related myopathy. Identifiers: Orphanet 98742, MedGen CN305348, MONDO:0100150.
Central core myopathy (CMYO1A). Also called: Central core disease; Myopathy, central fibrillar; CONGENITAL MYOPATHY 1A, AUTOSOMAL DOMINANT, WITH SUSCEPTIBILITY TO MALIGNANT HYPERTHERMIA. Identifiers: Orphanet 597, MedGen C5830701, MONDO:0007294, OMIM 117000.

Submissions (5):

ClinGen Congenital Myopathies Variant Curation Expert Panel, ClinGen
Classification: Uncertain significance for RYR1-related myopathy. Last evaluated: 2024-08-27. Review status: reviewed by expert panel. Criteria: ClinGen CongenMyopathy ACMG Specifications RYR1 AD V2.0.0. Collection method: curation. Allele origin: germline. Inheritance: Autosomal dominant inheritance.
Comment: The c.13949T>C variant in RYR1 is a missense variant predicted to cause substitution of leucine by proline at amino acid 4650 (p.Leu4650Pro). This variant is absent from gnomAD v4.1.1 (PM2_Supporting). The REVEL computational prediction analysis tool gives a score of 0.805, which is above the threshold of 0.7, evidence that correlates with impact to RYR1 function (PP3). This variant has been detected in two individuals with central core disease (CCD). Of those individuals, both were compound heterozygous for the variant and a VUS and both of those were confirmed in trans by parental testing (RYR1 p.Lys4724Gln, PMID: 12937085, PMID: 30611313, ClinVar Variation ID: 65957) (PM3). At least one patient with this variant displayed Type I fiber predominance, unique large eccentric cores, few necrotic/regenerative fibers, and connective tissue increase, which is highly specific for RYR1-related myopathy (PP4, PMID: 12937085). In summary, the variant meets the criteria to be classified as uncertain significance for autosomal recessive RYR1-related myopathy. ACMG/AMP criteria met, as specified by the ClinGen Congenital Myopathies VCEP: PM2_Supporting, PP3, PM3, PP4 (ClinGen Congenital Myopathies VCEP specifications version 2; 08/27/2024).

Labcorp Genetics (formerly Invitae), Labcorp
Classification: Likely pathogenic for RYR1-related disorder. Last evaluated: 2023-06-03. Review status: criteria provided, single submitter. Criteria: Invitae Variant Classification Sherloc (09022015). Collection method: clinical testing. Allele origin: germline. Not counted in ClinVar's aggregate classification.
Comment: ClinVar contains an entry for this variant (Variation ID: 65961). In summary, the currently available evidence indicates that the variant is pathogenic, but additional data are needed to prove that conclusively. Therefore, this variant has been classified as Likely Pathogenic. Experimental studies have shown that this missense change affects RYR1 function. Advanced modeling of protein sequence and biophysical properties (such as structural, functional, and spatial information, amino acid conservation, physicochemical variation, residue mobility, and thermodynamic stability) has been performed at Invitae for this missense variant, however the output from this modeling did not meet the statistical confidence thresholds required to predict the impact of this variant on RYR1 protein function. This missense change has been observed in individuals with clinical features of autosomal recessive congenital myopathy (PMID: 12937085; externalcommunication). This variant is not present in population databases (gnomAD no frequency). This sequence change replaces leucine, which is neutral and non-polar, with proline, which is neutral and non-polar, at codon 4650 of the RYR1 protein (p.Leu4650Pro).

ARUP Laboratories, Molecular Genetics and Genomics, ARUP Laboratories
Classification: Likely pathogenic. Last evaluated: 2018-04-06. Review status: criteria provided, single submitter. Criteria: ARUP Molecular Germline Variant Investigation Process. Collection method: clinical testing. Allele origin: germline. Not counted in ClinVar's aggregate classification.
Comment: The p.Leu4650Pro variant has been previously reported in an affected child who also carried p.Lys4724Gln variant on the other allele (Romero 2003). The p.Leu4650Pro variant is listed in ClinVar (Variation ID 65961). Additionally, in vitro functional studies with p.Phe1528Leu demonstrated that this variant results in excitation-contraction uncoupling by reducing channel opening in the absence of a change in calcium ion permeation (Dulhunty et al.)

GeneReviews
Classification: Pathogenic for Central Core Disease. Last evaluated: 2010-05-11. Review status: no assertion criteria provided. Collection method: curation. Allele origin: unknown. Not counted in ClinVar's aggregate classification.
ClinVar note: Converted during submission from pathologic to Pathogenic.

RYR1 database
No classification provided. Review status: no classification provided. Collection method: not provided. Allele origin: unknown. Not counted in ClinVar's aggregate classification.

Literature cited by the submitters: PubMed 12937085 (cited by Labcorp Genetics (formerly Invitae), Labcorp).

NM_000540.3(RYR1):c.13949T>C (p.Leu4650Pro)

Gene: RYR1 (ryanodine receptor 1; plus strand). Cytogenetic location: 19q13.2.
Variant type: single nucleotide variant.
Coding change: c.13949T>C on transcript NM_000540.3 (MANE Select); coding-DNA position 13949, T replaced by C.
Protein change: p.Leu4650Pro; replaces leucine 4650 with proline.
Molecular consequence: missense variant.
Genome position (GRCh38, 1-based): chr19:38,572,221, T>C. VCF-style: chr19-38572221-T-C. GRCh37 (hg19) VCF-style: chr19-39062861-T-C.
Other names: NM_000540.3(RYR1):c.13949T>C; c.13934T>C, p.Leu4645Pro (NM_001042723.2); short protein forms L4650P, L4645P.
Identifiers: ClinVar variation 65961 (VCV000065961.18), dbSNP rs118192138, ClinGen allele CA024091.